The following is an entry in ClinVar:

NM_000059.4(BRCA2):c.6922A>T (p.Lys2308Ter)

Gene: BRCA2 (BRCA2 DNA repair associated; plus strand). Cytogenetic location: 13q13.1.
Variant type: single nucleotide variant.
Coding change: c.6922A>T on transcript NM_000059.4 (MANE Select); coding-DNA position 6922, A replaced by T.
Protein change: p.Lys2308Ter; replaces lysine 2308 with a stop codon.
Molecular consequence: nonsense.
Genome position (GRCh38, 1-based): chr13:32,344,638, A>T. VCF-style: chr13-32344638-A-T. GRCh37 (hg19) VCF-style: chr13-32918775-A-T.
Other names: c.6922A>T, p.Lys2308Ter (NM_001406720.1); c.1990A>T, p.Lys664Ter (NM_001406721.1); c.505A>T, p.Lys169Ter (NM_001406722.1); short protein forms K2308*, K664*, K169*.
Identifiers: ClinVar variation 1704597 (VCV001704597.21), dbSNP rs398122570, ClinGen allele CA387792928.

ClinVar aggregate classification (germline): Conflicting classifications of pathogenicity. Review status: criteria provided, conflicting classifications (1 of 4 stars). 3 submissions from 3 submitters: Likely pathogenic (1); Uncertain significance (1). 1 of the submissions does not count toward it. Last evaluated 2022-07-11.

Conditions:
Hereditary cancer-predisposing syndrome. Also called: Tumor predisposition; Neoplastic Syndromes, Hereditary; Hereditary Cancer Syndrome; Hereditary neoplastic syndrome. Identifiers: Orphanet 140162, MedGen C0027672, MeSH D009386, MONDO:0015356.
Hereditary breast ovarian cancer syndrome. Also called: BRCA1- and BRCA2-Associated Hereditary Breast and Ovarian Cancer; Hereditary breast and ovarian cancer; Hereditary breast and ovarian cancer syndrome; Hereditary breast and ovarian cancer syndrome (HBOC); Breast and ovarian cancer; Hereditary breast and/or ovarian cancer syndrome. Identifiers: Orphanet 145, MedGen C0677776, MeSH D061325, MONDO:0003582. Disease mechanism: loss of function.
Gastric cancer. Also called: Malignant tumor of stomach; Stomach cancer. Identifiers: MedGen C0024623, MeSH D013274, MONDO:0001056, OMIM 613659, HP:0012126.

Submissions (3):

Women's Health and Genetics/Laboratory Corporation of America, LabCorp
Classification: Likely pathogenic for Hereditary breast ovarian cancer syndrome. Last evaluated: 2022-07-11. Review status: criteria provided, single submitter. Criteria: LabCorp Variant Classification Summary - May 2015. Collection method: clinical testing. Allele origin: germline.
Comment: Variant summary: BRCA2 c.6922A>T (p.Lys2308X) results in a premature termination codon, predicted to cause a truncation of the encoded protein or absence of the protein due to nonsense mediated decay, which are commonly known mechanisms for disease. Truncations downstream of this position have been classified as pathogenic by our laboratory. The variant allele was found at a frequency of 3.7e-06 in 272554 control chromosomes (gnomAD and Momozawa_2018). In a case-control association study the variant was found in 1/7051 breast cancer patients and 1/11241 controls of Japanese ancestry (Momozawa_2018). To our knowledge, no experimental evidence demonstrating an impact on protein function has been reported. No clinical diagnostic laboratories have submitted clinical-significance assessments for this variant to ClinVar after 2014. Based on the evidence outlined above, the variant was classified as likely pathogenic.

Ambry Genetics
Classification: Uncertain significance for Hereditary cancer-predisposing syndrome. Last evaluated: 2021-06-14. Review status: criteria provided, single submitter. Criteria: Ambry Variant Classification Scheme 2023. Collection method: clinical testing. Allele origin: germline.
Comment: The p.K2308* alteration (also known as c.6922A>T), located in coding exon 11 of the BRCA2 gene, results from an A to T substitution at nucleotide position 6922. This changes the amino acid from a lysine to a stop codon within coding exon 11. However, coding exon 11 (also known as Exon 12 in the literature) is absent in a natural, in-frame isoform and this exon is also redundant based on clinical and functional studies (Fackenthal J et al. J Med Genet. 2016 Aug; 53(8):548-58; Li L et al. Hum Mutat. 2009 Nov; 30(11):1543-50). Alterations that result in premature protein truncation are typically deleterious in nature; however the occurrence of such alterations in exons that are absent in functional, alternate isoforms leads to the possibility that the alternate isoform can rescue the defect. As such, the clinical significance of this alteration remains unclear.

Laboratory for Genotyping Development, RIKEN
Classification: Pathogenic for Gastric cancer. Last evaluated: 2021-07-01. Review status: no assertion criteria provided. Collection method: research. Allele origin: germline. Not counted in ClinVar's aggregate classification.

Literature cited by the submitters: PubMed 28179634 (cited by Women's Health and Genetics/Laboratory Corporation of America, LabCorp); PubMed 30287823 (cited by Women's Health and Genetics/Laboratory Corporation of America, LabCorp); PubMed 31608315 (cited by Women's Health and Genetics/Laboratory Corporation of America, LabCorp); PubMed 32980694 (cited by Women's Health and Genetics/Laboratory Corporation of America, LabCorp); PubMed 19795481 (cited by Ambry Genetics); PubMed 36988593 (cited by Laboratory for Genotyping Development, RIKEN).